The following is an entry in ClinVar:

NM_001371623.1(TCOF1):c.1021_1022del (p.Ser341fs)

Gene: TCOF1 (treacle ribosome biogenesis factor 1; plus strand). Cytogenetic location: 5q32.
Variant type: Microsatellite.
Coding change: c.1021_1022del on transcript NM_001371623.1 (MANE Select); coding-DNA positions 1021 to 1022, 2 bases deleted (AG; older notation c.1021_1022delAG).
Protein change: p.Ser341fs; shifts the reading frame from serine 341.
Molecular consequence: frameshift variant.
Genome position (GRCh38, 1-based): chr5:150,374,324-150,374,325, AG deleted; deleting any 2 consecutive bases within chr5:150,374,320-150,374,325 gives the same sequence; the c. name uses the placement nearest the transcript's 3' end. VCF-style (leftmost placement, unchanged base first): chr5-150374319-CAG-C. GRCh37 (hg19) VCF-style: chr5-149753882-CAG-C.
Other names: c.790_791del, p.Ser264fs (NM_000356.4, NM_001135245.2); c.1021_1022del, p.Ser341fs (NM_001008657.3, NM_001135243.2, NM_001135244.2 and 1 more transcripts); c.1021_1022delAG (NM_001135243.1); short protein forms S341fs, S264fs.
Identifiers: ClinVar variation 947528 (VCV000947528.12), dbSNP rs1763212034, ClinGen allele CA913203544.

ClinVar aggregate classification (germline): Pathogenic. Review status: criteria provided, multiple submitters, no conflicts (2 of 4 stars). 3 submissions from 3 submitters: Pathogenic (2). 1 of the submissions does not count toward it. Last evaluated 2025-07-01.

Conditions:
Treacher Collins syndrome 1 (TCS1). Also called: TCOF1-Related Treacher Collins Syndrome. Identifiers: Orphanet 861, MedGen CN315775, MONDO:0007944, OMIM 154500.
Treacher Collins syndrome. Also called: TREACHER COLLINS-FRANCESCHETTI SYNDROME. Identifiers: Orphanet 861, MedGen C0242387, MONDO:0002457.

Submissions (3):

GeneDx
Classification: Pathogenic. Last evaluated: 2025-07-01. Review status: criteria provided, single submitter. Criteria: GeneDx Variant Classification Process June 2021. Collection method: clinical testing. Allele origin: germline. Affected: yes.
Comment: Frameshift variant predicted to result in protein truncation or nonsense mediated decay in a gene for which loss of function is a known mechanism of disease; Not observed at significant frequency in large population cohorts (gnomAD); This variant is associated with the following publications: (PMID: 12444270, 24778568, 22729243)

Labcorp Genetics (formerly Invitae), Labcorp
Classification: Pathogenic for Treacher Collins syndrome 1. Last evaluated: 2025-02-16. Review status: criteria provided, single submitter. Criteria: Invitae Variant Classification Sherloc (09022015). Collection method: clinical testing. Allele origin: germline.
Comment: This sequence change creates a premature translational stop signal (p.Ser341Glnfs*7) in the TCOF1 gene. It is expected to result in an absent or disrupted protein product. Loss-of-function variants in TCOF1 are known to be pathogenic (PMID: 8894686, 22317976). This variant is not present in population databases (gnomAD no frequency). This premature translational stop signal has been observed in individual(s) with Treacher Collins syndrome (PMID: 22729243). This variant is also known as c.790_791delAG (p.Ser264GlnfsX7). ClinVar contains an entry for this variant (Variation ID: 947528). For these reasons, this variant has been classified as Pathogenic.

GeneReviews
No classification provided. Condition: Treacher Collins syndrome. Review status: no classification provided. Collection method: literature only. Allele origin: germline. Not counted in ClinVar's aggregate classification.

Literature cited by the submitters: PubMed 8894686 (cited by Labcorp Genetics (formerly Invitae), Labcorp); PubMed 22317976 (cited by Labcorp Genetics (formerly Invitae), Labcorp); PubMed 22729243 (cited by Labcorp Genetics (formerly Invitae), Labcorp).